The following is an entry in ClinVar:

NM_004304.5(ALK):c.2018A>C (p.Gln673Pro)

Gene: ALK (ALK receptor tyrosine kinase; minus strand). Cytogenetic location: 2p23.2.
Variant type: single nucleotide variant.
Coding change: c.2018A>C on transcript NM_004304.5 (MANE Select); coding-DNA position 2018, A replaced by C.
Protein change: p.Gln673Pro; replaces glutamine 673 with proline.
Molecular consequence: missense variant.
Genome position (GRCh38, 1-based): chr2:29,275,122, T>G on the plus strand (A>C on the coding strand, the complement: ALK is on the minus strand). VCF-style: chr2-29275122-T-G. GRCh37 (hg19) VCF-style: chr2-29497988-T-G.
Other names: c.2018A>C (NM_004304.4); short protein forms Q673P.
Identifiers: ClinVar variation 2712002 (VCV002712002.4), dbSNP rs762808842, ClinGen allele CA1594463.
Genomic context (GRCh38, chr2:29,275,122, plus strand): 5'-AAGTTACTGTGCTCACATTTGTGAGCTGAACCCTTACCTGTAGGGTCAAAGATGGGGGTC[T>G]GTCTTGGTGAATTTTCCCCGGGTTTCAGCTCCTTGTTTGGGTTTCTCTCAAACAGGTTTC-3'
Protein context (NP_004295.2, residues 663-683): ELKPGENSPR[Gln673Pro]TPIFDPTVHW

ClinVar aggregate classification (germline): Conflicting classifications of pathogenicity. Review status: criteria provided, conflicting classifications (1 of 4 stars). 2 submissions from 2 submitters: Uncertain significance (1); Likely benign (1). Last evaluated 2026-02-03.

Conditions:
Neuroblastoma, susceptibility to, 3. Also called: ALK-Related Neuroblastic Tumor Susceptibility. Identifiers: Orphanet 635, MedGen C2751681, MONDO:0013083, OMIM 613014.
Hereditary cancer-predisposing syndrome. Also called: Tumor predisposition; Hereditary Cancer Syndrome; Hereditary neoplastic syndrome; Neoplastic Syndromes, Hereditary. Identifiers: Orphanet 140162, MedGen C0027672, MeSH D009386, MONDO:0015356.

Allele frequency attached by ClinVar (database versions not stated): ExAC 0.00001.

Submissions (2):

Ambry Genetics
Classification: Likely benign for Hereditary cancer-predisposing syndrome. Last evaluated: 2026-02-03. Review status: criteria provided, single submitter. Criteria: Ambry Variant Classification Scheme 2023. Collection method: clinical testing. Allele origin: germline.

Labcorp Genetics (formerly Invitae), Labcorp
Classification: Uncertain significance for Neuroblastoma, susceptibility to, 3. Last evaluated: 2024-01-26. Review status: criteria provided, single submitter. Criteria: Invitae Variant Classification Sherloc (09022015). Collection method: clinical testing. Allele origin: germline.
Comment: This sequence change replaces glutamine, which is neutral and polar, with proline, which is neutral and non-polar, at codon 673 of the ALK protein (p.Gln673Pro). This variant is not present in population databases (gnomAD no frequency). This variant has not been reported in the literature in individuals affected with ALK-related conditions. Algorithms developed to predict the effect of missense changes on protein structure and function output the following: SIFT: "Not Available"; PolyPhen-2: "Benign"; Align-GVGD: "Not Available". The proline amino acid residue is found in multiple mammalian species, which suggests that this missense change does not adversely affect protein function. In summary, the available evidence is currently insufficient to determine the role of this variant in disease. Therefore, it has been classified as a Variant of Uncertain Significance.